The following is an entry in ClinVar:

NM_000138.5(FBN1):c.8464C>G (p.Pro2822Ala)

Gene: FBN1 (fibrillin 1; minus strand). Cytogenetic location: 15q21.1.
Variant type: single nucleotide variant.
Coding change: c.8464C>G on transcript NM_000138.5 (MANE Select); coding-DNA position 8464, C replaced by G.
Protein change: p.Pro2822Ala; replaces proline 2822 with alanine.
Molecular consequence: missense variant.
Genome position (GRCh38, 1-based): chr15:48,411,142, G>C on the plus strand (C>G on the coding strand, the complement: FBN1 is on the minus strand). VCF-style: chr15-48411142-G-C. GRCh37 (hg19) VCF-style: chr15-48703339-G-C.
Other names: c.8464C>G, p.Pro2822Ala (NM_001406716.1); short protein forms P2822A.
Identifiers: ClinVar variation 4758750 (VCV004758750.1).

ClinVar aggregate classification (germline): Uncertain significance (1 of 4 stars; one submission).

Conditions:
Familial thoracic aortic aneurysm and aortic dissection (TAAD). Also called: Thoracic aortic aneurysms and dissections. Identifiers: Orphanet 91387, MedGen C4707243, MONDO:0019625.

gnomAD v4.1: 2 of 1,614,122 alleles (0.00012%); highest among the groups gnomAD compares: Admixed American, 0.0033%; no homozygotes.

Submission:

Color Diagnostics, LLC DBA Color Health
Classification: Uncertain significance for Familial thoracic aortic aneurysm and aortic dissection. Last evaluated: 2025-05-30. Review status: criteria provided, single submitter. Criteria: ACMG Guidelines, 2015. Collection method: clinical testing. Allele origin: germline.
Comment: This missense variant replaces proline with alanine at codon 2822 of the FBN1 protein. Computational prediction suggests that this variant may not impact protein structure and function. To our knowledge, functional studies have not been reported for this variant. This variant has not been reported in individuals affected with FBN1-related disorders in the literature. This variant has been identified in 2/251418 chromosomes in the general population by the Genome Aggregation Database (gnomAD). The available evidence is insufficient to determine the role of this variant in disease conclusively. Therefore, this variant is classified as a Variant of Uncertain Significance.